The following is an entry in ClinVar:

NM_001854.4(COL11A1):c.897+293G>A

Gene: COL11A1 (collagen type XI alpha 1 chain; minus strand). Cytogenetic location: 1p21.1.
Variant type: single nucleotide variant.
Coding change: c.897+293G>A on transcript NM_001854.4 (MANE Select); 293 bases into the intron after coding-DNA position 897, G replaced by A.
Molecular consequence: intron variant. On other transcripts: missense variant (1).
Genome position (GRCh38, 1-based): chr1:103,025,923, C>T on the plus strand (G>A on the coding strand, the complement: COL11A1 is on the minus strand). VCF-style: chr1-103025923-C-T. GRCh37 (hg19) VCF-style: chr1-103491479-C-T.
Other names: c.810G>A, p.Met270Ile (NM_080629.3); c.781-310G>A (NM_001190709.2); c.897+293G>A (NM_080630.4); short protein forms M270I.
Identifiers: ClinVar variation 3777554 (VCV003777554.1).
Genomic context (GRCh38, chr1:103,025,923, plus strand): 5'-TTCAGATTTGGGGGGTGTAAACTTTTTGGATTTTTCCTTTGATTTAGTAGCCACTGTCCT[C>T]ATCTTCTTTTTGAAATTGGATTTCTTTTTCTGTAAAATGTGGTGAAAGATGGAATGGAAA-3'

ClinVar aggregate classification (germline): Uncertain significance (1 of 4 stars; one submission).

gnomAD v4.1: 12 of 1,612,500 alleles (0.00074%); highest among the groups gnomAD compares: South Asian, 0.0011%; no homozygotes.

Submission:

GeneDx
Classification: Uncertain significance. Last evaluated: 2024-10-10. Review status: criteria provided, single submitter. Criteria: GeneDx Variant Classification Process June 2021. Collection method: clinical testing. Allele origin: germline. Affected: yes.
Comment: Not observed at significant frequency in large population cohorts (gnomAD); In silico analysis indicates that this missense variant does not alter protein structure/function; Not located in the triple helical region, where the majority of pathogenic missense variants occur (HGMD; PMID: 25240749); Has not been previously published as pathogenic or benign to our knowledge; Reported using an alternate transcript of the gene; This variant is associated with the following publications: (PMID: 25240749)